The following is an entry in ClinVar:

NM_000059.4(BRCA2):c.7618-2A>G

Gene: BRCA2 (BRCA2 DNA repair associated; plus strand). Cytogenetic location: 13q13.1.
Variant type: single nucleotide variant.
Coding change: c.7618-2A>G on transcript NM_000059.4 (MANE Select); the canonical splice acceptor site of the intron before coding-DNA position 7618, A replaced by G.
Molecular consequence: splice acceptor variant.
Genome position (GRCh38, 1-based): chr13:32,357,740, A>G. VCF-style: chr13-32357740-A-G. GRCh37 (hg19) VCF-style: chr13-32931877-A-G.
Other names: c.7618-2A>G (NM_001406720.1); c.7522-2A>G (NM_001406719.1); c.2686-2A>G (NM_001406721.1); c.1201-2A>G (NM_001406722.1).
Identifiers: ClinVar variation 267684 (VCV000267684.39), dbSNP rs886040940, ClinGen allele CA10602540.

ClinVar aggregate classification (germline): Pathogenic. Review status: reviewed by expert panel (3 of 4 stars). 12 submissions from 12 submitters: Pathogenic (1). 11 of the submissions do not count toward it. Last evaluated 2019-06-18.

Conditions:
Hereditary cancer-predisposing syndrome. Also called: Tumor predisposition; Hereditary neoplastic syndrome; Hereditary Cancer Syndrome; Neoplastic Syndromes, Hereditary. Identifiers: Orphanet 140162, MedGen C0027672, MeSH D009386, MONDO:0015356.
Hereditary breast ovarian cancer syndrome. Also called: Hereditary breast and ovarian cancer; Breast and ovarian cancer; BRCA1- and BRCA2-Associated Hereditary Breast and Ovarian Cancer; Hereditary breast and/or ovarian cancer syndrome; Hereditary breast and ovarian cancer syndrome; Hereditary breast and ovarian cancer syndrome (HBOC). Identifiers: Orphanet 145, MedGen C0677776, MeSH D061325, MONDO:0003582. Disease mechanism: loss of function.
Breast-ovarian cancer, familial, susceptibility to, 2 (BROVCA2). Also called: BRCA2 Hereditary Breast and Ovarian Cancer. Identifiers: Orphanet 145, MedGen C2675520, MONDO:0012933, OMIM 612555. Disease mechanism: loss of function.

Submissions (12):

Evidence-based Network for the Interpretation of Germline Mutant Alleles (ENIGMA)
Classification: Pathogenic for Breast-ovarian cancer, familial, susceptibility to, 2. Last evaluated: 2019-06-18. Review status: reviewed by expert panel. Criteria: ENIGMA BRCA1/2 Classification Criteria (2017-06-29). Collection method: curation. Allele origin: germline.
Comment: IARC class based on posterior probability from multifactorial likelihood analysis, thresholds for class as per Plon et al. 2008 (PMID: 18951446). Class 5 based on posterior probability = 0.9949

Ambry Genetics
Classification: Pathogenic for Hereditary cancer-predisposing syndrome. Last evaluated: 2026-02-17. Review status: criteria provided, single submitter. Criteria: Ambry Variant Classification Scheme 2023. Collection method: clinical testing. Allele origin: germline. Not counted in ClinVar's aggregate classification.
Comment: The c.7618-2A>G intronic variant results from an A to G substitution two nucleotides upstream from coding exon 15 in the BRCA2 gene. The results from two saturation genome editing-based studies, including a haploid cell-survival assay and a humanized mouse embryonic stem cell line assay of drug response and survival, are discordant for this nucleotide substitution (Huang H et al. Nature. 2025 Feb;638(8050):528-537; Sahu S et al. Nature. 2025 Feb;638(8050):538-545). This nucleotide position is highly conserved in available vertebrate species. In silico splice site analysis predicts that this alteration will weaken the native splice acceptor site and will result in the creation or strengthening of a novel splice acceptor site. A splicing minigene assay showed that this alteration, as well as several other close match alterations at this splice acceptor site, induced a transcript with loss of 44 nucleotides of coding exon 15 (termed Exon 16 in this publication) due to the use of a cryptic acceptor (Fraile-Bethencourt E et al. Front Genet, 2018 May;9:188). In addition, internal RNA studies have demonstrated that this alteration results in abnormal splicing in the set of samples tested (Ambry internal data). Alterations that disrupt the canonical splice site are expected to cause aberrant splicing, resulting in an abnormal protein or a transcript that is subject to nonsense-mediated mRNA decay. As such, this alteration is classified as a disease-causing mutation.

Color Diagnostics, LLC DBA Color Health
Classification: Pathogenic for Hereditary cancer-predisposing syndrome. Last evaluated: 2023-04-25. Review status: criteria provided, single submitter. Criteria: ACMG Guidelines, 2015. Collection method: clinical testing. Allele origin: germline. Not counted in ClinVar's aggregate classification.
Comment: This variant causes an A>G nucleotide substitution at the -2 position of intron 15 of the BRCA2 gene. RNA studies have shown that this variant causes out of frame skipping of 44 nucleotides in 5' end of exon 16, resulting in an absent or disrupted protein product (PMID: 29881398, 30832263). This variant has been reported in two individuals affected with ovarian cancer (PMID: 29161300, 29907814, 31742824) and in suspected hereditary breast and ovarian cancer families (PMID: 29061375, 29061375, 29446198, 29907814). This variant has not been identified in the general population by the Genome Aggregation Database (gnomAD). Loss of BRCA2 function is a known mechanism of disease. Based on the available evidence, this variant is classified as Pathogenic.

All of Us Research Program, National Institutes of Health
Classification: Pathogenic for Breast-ovarian cancer, familial, susceptibility to, 2. Last evaluated: 2023-03-17. Review status: criteria provided, single submitter. Criteria: ACMG Guidelines, 2015. Collection method: clinical testing. Allele origin: germline. Inheritance: Autosomal dominant inheritance. Observed: 1 variant allele, 1 heterozygote. Not counted in ClinVar's aggregate classification.
Comment: This variant disrupts a canonical splice site and is predicted to result in abnormal splicing. Aberrant splicing and/or loss of function is an established mechanism of disease. This prediction has been confirmed by functional studies (PMID: 30832263. This variant has been reported in multiple individuals with hereditary breast and ovarian cancer syndrome (PMID: 23531862, 29161300, 29907814, 31853058, 31742824, 35737919). This variant is absent from or rare in large population databases, including the Genome Aggregation Database.

This study involves interpretation of variants in research participants for the purpose of population health screening. Participant phenotype was not available at the time of variant classification. Additional details can be found in publication PMID: 35346344, PMCID: PMC8962531

Revvity Omics, Revvity
Classification: Pathogenic. Last evaluated: 2022-12-14. Review status: criteria provided, single submitter. Criteria: ACMG Guidelines, 2015. Collection method: clinical testing. Allele origin: germline. Not counted in ClinVar's aggregate classification.

Labcorp Genetics (formerly Invitae), Labcorp
Classification: Pathogenic for Hereditary breast ovarian cancer syndrome. Last evaluated: 2022-04-09. Review status: criteria provided, single submitter. Criteria: Invitae Variant Classification Sherloc (09022015). Collection method: clinical testing. Allele origin: germline. Not counted in ClinVar's aggregate classification.
Comment: This variant is not present in population databases (gnomAD no frequency). For these reasons, this variant has been classified as Pathogenic. Studies have shown that disruption of this splice site alters mRNA splicing and is expected to lead to the loss of protein expression (PMID: 29881398, 30832263). ClinVar contains an entry for this variant (Variation ID: 267684). Disruption of this splice site has been observed in individual(s) with clinical features of hereditary breast and ovarian cancer syndrome (PMID: 23531862, 29446198, 29907814). This sequence change affects an acceptor splice site in intron 15 of the BRCA2 gene. RNA analysis indicates that disruption of this splice site induces altered splicing and may result in an absent or disrupted protein product.

Institute for Clinical Genetics, University Hospital TU Dresden, University Hospital TU Dresden
Classification: Pathogenic. Last evaluated: 2021-11-03. Review status: criteria provided, single submitter. Criteria: ACMG Guidelines, 2015. Collection method: clinical testing. Allele origin: germline. Not counted in ClinVar's aggregate classification.

Women's Health and Genetics/Laboratory Corporation of America, LabCorp
Classification: Pathogenic for Hereditary breast and ovarian cancer syndrome. Last evaluated: 2020-10-27. Review status: criteria provided, single submitter. Criteria: LabCorp Variant Classification Summary - May 2015. Collection method: clinical testing. Allele origin: germline. Not counted in ClinVar's aggregate classification.
Comment: Variant summary: BRCA2 c.7618-2A>G is located in a canonical splice-site and is predicted to affect mRNA splicing resulting in a significantly altered protein due to either exon skipping, shortening, or inclusion of intronic material. Several computational tools predict a significant impact on normal splicing: Four predict that the variant abolishes a canonical 3' acceptor site.This finding is corroborated by several reports documenting experimental evidence that this variant affects mRNA splicing (e.g. Fraile-Bethencourt_2018, Gelli_2019). The variant was absent in 250612 control chromosomes. c.7618-2A>G has been reported in the literature in multiple individuals affected with Hereditary Breast And Ovarian Cancer Syndrome (e.g. Rebbeck_2018, Gelli_2019, Shao_2020). These data indicate that the variant is very likely to be associated with disease. Six ClinVar submitters, including two expert panels, have cited (evaluation after 2014) the variant as pathogenic/likely pathogenic. Based on the evidence outlined above, the variant was classified as pathogenic.

Quest Diagnostics Nichols Institute San Juan Capistrano
Classification: Pathogenic. Last evaluated: 2018-12-28. Review status: criteria provided, single submitter. Criteria: Quest Diagnostics criteria. Collection method: clinical testing. Allele origin: germline. Not counted in ClinVar's aggregate classification.
Comment: The variant disrupts a canonical splice site, and is therefore predicted to result in the loss of a functional protein. Found in at least one symptomatic patient, and not found in general population data.

Consortium of Investigators of Modifiers of BRCA1/2 (CIMBA), c/o University of Cambridge
Classification: Pathogenic for Breast-ovarian cancer, familial, susceptibility to, 2. Last evaluated: 2015-10-02. Review status: criteria provided, single submitter. Criteria: CIMBA Mutation Classification guidelines May 2016. Collection method: clinical testing. Allele origin: germline. Not counted in ClinVar's aggregate classification.

Diagnostic Laboratory, Department of Genetics, University Medical Center Groningen
Classification: Pathogenic. Review status: no assertion criteria provided. Collection method: clinical testing. Allele origin: germline. Affected: yes. Study: VKGL Data-share Consensus. Not counted in ClinVar's aggregate classification.

Joint Genome Diagnostic Labs from Nijmegen and Maastricht, Radboudumc and MUMC+
Classification: Pathogenic. Review status: no assertion criteria provided. Collection method: clinical testing. Allele origin: germline. Affected: yes. Study: VKGL Data-share Consensus. Not counted in ClinVar's aggregate classification.

Literature cited by the submitters: PubMed 31131967 (cited by Evidence-based Network for the Interpretation of Germline Mutant Alleles (ENIGMA)); PubMed 29881398 (cited by 4 submitters); PubMed 39779857 (cited by Ambry Genetics); PubMed 29061375 (cited by Color Diagnostics, LLC DBA Color Health); PubMed 29161300 (cited by 3 submitters); PubMed 29446198 (cited by 3 submitters); PubMed 29907814 (cited by 4 submitters); PubMed 30832263 (cited by 4 submitters); PubMed 31742824 (cited by 3 submitters); PubMed 23531862 (cited by 3 submitters); PubMed 31853058 (cited by All of Us Research Program, National Institutes of Health); PubMed 35737919 (cited by All of Us Research Program, National Institutes of Health); PubMed 31191615 (cited by Women's Health and Genetics/Laboratory Corporation of America, LabCorp).